The following is an entry in ClinVar:

NM_000019.4(ACAT1):c.86_87dup (p.Glu30fs)

Gene: ACAT1 (acetyl-CoA acetyltransferase 1; plus strand). Cytogenetic location: 11q22.3.
Variant type: Microsatellite.
Coding change: c.86_87dup on transcript NM_000019.4 (MANE Select); coding-DNA positions 86 to 87, 2 bases duplicated (TG; older notation c.86_87dupTG).
Protein change: p.Glu30fs; shifts the reading frame from glutamic acid 30.
Molecular consequence: frameshift variant. On other transcripts: 5 prime UTR variant (10), non-coding transcript variant (2).
Genome position (GRCh38, 1-based): chr11:108,131,920-108,131,921, TG duplicated; duplicating any 2 consecutive bases within chr11:108,131,918-108,131,921 gives the same sequence; the c. name uses the placement nearest the transcript's 3' end. VCF-style (leftmost placement, unchanged base first): chr11-108131917-A-ATG. GRCh37 (hg19) VCF-style: chr11-108002644-A-ATG.
Other names: c.86_87dup, p.Glu30fs (NM_001386677.1, NM_001386678.1); c.-194TG[3] (NM_001386679.1); c.-187TG[3] (NM_001386681.1, NM_001386682.1, NM_001386685.1 and 6 more transcripts); short protein forms E30fs.
Identifiers: ClinVar variation 666464 (VCV000666464.2), dbSNP rs1591360348, ClinGen allele CA915947683.

ClinVar aggregate classification (germline): Pathogenic/Likely pathogenic. Review status: criteria provided, multiple submitters, no conflicts (2 of 4 stars). 2 submissions from 2 submitters: Pathogenic (1); Likely pathogenic (1). Last evaluated 2024-10-04.

Conditions:
Deficiency of acetyl-CoA acetyltransferase. Also called: 3-KETOTHIOLASE DEFICIENCY; 3-OXOTHIOLASE DEFICIENCY; Beta-ketothiolase deficiency; MITOCHONDRIAL ACETOACETYL-CoA THIOLASE DEFICIENCY. Identifiers: Orphanet 134, MedGen C1536500, MONDO:0008760, OMIM 203750. Disease mechanism: loss of function.

Submissions (2):

Dubai Health Genomic Medicine Center, Dubai Health
Classification: Likely pathogenic for Alpha-methylacetoacetic aciduria. Last evaluated: 2024-10-04. Review status: criteria provided, single submitter. Criteria: ACMG Guidelines, 2015. Collection method: research. Allele origin: germline. Affected: yes.
Comment: PVS1,PM2

Department of Pediatrics, Gifu University
Classification: Pathogenic for Deficiency of acetyl-CoA acetyltransferase. Last evaluated: 2019-05-05. Review status: criteria provided, single submitter. Criteria: ACMG Guidelines, 2015. Collection method: literature only. Allele origin: germline. Affected: yes. Observed: 1 variant allele.

Literature cited by the submitters: PubMed 31268215 (cited by Department of Pediatrics, Gifu University).